The following is an entry in ClinVar:

ClinVar aggregate classification (germline): Uncertain significance (1 of 4 stars; one submission).

Submission:

GeneDx
Classification: Uncertain significance. Last evaluated: 2025-08-12. Review status: criteria provided, single submitter. Criteria: GeneDx Variant Classification Process June 2021. Collection method: clinical testing. Allele origin: germline. Affected: yes.
Comment: Not observed at significant frequency in large population cohorts (gnomAD); In silico analyses suggest that this missense variant does not alter protein structure/function but may impact gene splicing; in the absence of RNA/functional studies, the actual effect of this sequence change is unknown; Has not been previously published as pathogenic or benign to our knowledge

NM_000297.4(PKD2):c.2606T>G (p.Ile869Ser)

Gene: PKD2 (polycystin 2, transient receptor potential cation channel; plus strand). Cytogenetic location: 4q22.1.
Variant type: single nucleotide variant.
Coding change: c.2606T>G on transcript NM_000297.4 (MANE Select); coding-DNA position 2606, T replaced by G.
Protein change: p.Ile869Ser; replaces isoleucine 869 with serine.
Molecular consequence: missense variant. On other transcripts: non-coding transcript variant (1).
Genome position (GRCh38, 1-based): chr4:88,074,895, T>G. VCF-style: chr4-88074895-T-G. GRCh37 (hg19) VCF-style: chr4-88996047-T-G.
Other names: c.2381T>G, p.Ile794Ser (NM_001440544.1); short protein forms I794S, I869S.
Identifiers: ClinVar variation 4795260 (VCV004795260.1).